The following is an entry in ClinVar:

ClinVar aggregate classification (germline): Pathogenic (1 of 4 stars; one submission).

Conditions:
Juvenile polyposis syndrome (JPS). Identifiers: Orphanet 2929, MedGen C0345893, MONDO:0017380, OMIM 174900.

Submission:

Labcorp Genetics (formerly Invitae), Labcorp
Classification: Pathogenic for Juvenile polyposis syndrome. Last evaluated: 2025-02-03. Review status: criteria provided, single submitter. Criteria: Invitae Variant Classification Sherloc (09022015). Collection method: clinical testing. Allele origin: germline.
Comment: This sequence change creates a premature translational stop signal (p.Thr325Hisfs*6) in the BMPR1A gene. It is expected to result in an absent or disrupted protein product. Loss-of-function variants in BMPR1A are known to be pathogenic (PMID: 11536076, 12417513). This variant is not present in population databases (gnomAD no frequency). This variant has not been reported in the literature in individuals affected with BMPR1A-related conditions. Algorithms developed to predict the effect of sequence changes on RNA splicing suggest that this variant may disrupt the consensus splice site. For these reasons, this variant has been classified as Pathogenic.

Literature cited by the submitters: PubMed 11536076; PubMed 12417513.

NM_004329.3(BMPR1A):c.973_980del (p.Thr325fs)

Gene: BMPR1A (bone morphogenetic protein receptor type 1A; plus strand). Cytogenetic location: 10q23.2.
Variant type: Deletion.
Coding change: c.973_980del on transcript NM_004329.3 (MANE Select); coding-DNA positions 973 to 980, 8 bases deleted (ACACTGGA; older notation c.973_980delACACTGGA).
Protein change: p.Thr325fs; shifts the reading frame from threonine 325.
Molecular consequence: frameshift variant. On other transcripts: non-coding transcript variant (3).
Genome position (GRCh38, 1-based): chr10:86,919,276-86,919,283, ACACTGGA deleted. VCF-style (leftmost placement, unchanged base first): chr10-86919275-TACACTGGA-T. GRCh37 (hg19) VCF-style: chr10-88679032-TACACTGGA-T.
Other names: c.973_980del, p.Thr325fs (NM_001406581.1, NM_001406582.1, NM_001406561.1 and 19 more transcripts); c.967_974del, p.Thr323fs (NM_001406583.1); c.889_896del, p.Thr297fs (NM_001406584.1, NM_001406585.1, NM_001406586.1 and 2 more transcripts); c.631_638del, p.Thr211fs (NM_001406589.1); c.1048_1055del, p.Thr350fs (NM_001406559.1); c.1021_1028del, p.Thr341fs (NM_001406560.1); short protein forms T211fs, T350fs, T297fs, T323fs, T325fs, T341fs.
Identifiers: ClinVar variation 3723233 (VCV003723233.2).